The following is an entry in ClinVar:

NM_020877.5(DNAH2):c.11127T>C (p.Phe3709=)

Gene: DNAH2 (dynein axonemal heavy chain 2; plus strand). Cytogenetic location: 17p13.1.
Variant type: single nucleotide variant.
Coding change: c.11127T>C on transcript NM_020877.5 (MANE Select); coding-DNA position 11127, T replaced by C.
Protein change: p.Phe3709=; no amino-acid change (phenylalanine 3709 retained).
Molecular consequence: synonymous variant.
Genome position (GRCh38, 1-based): chr17:7,821,354, T>C. VCF-style: chr17-7821354-T-C. GRCh37 (hg19) VCF-style: chr17-7724672-T-C.
Identifiers: ClinVar variation 3035349 (VCV003035349.2), dbSNP rs781676620, ClinGen allele CA8359364.
Genomic context (GRCh38, chr17:7,821,354, plus strand): 5'-TATGTGTGCCAAAATCTTGGAGACTTCTGGCAAGCTCAACATGGATGAATACAACTTCTT[T>C]CTACGTGGGGGTGTGGTGAGTTGGGCAGAGAGCACATCCCAGGATGGGATGGTCAAGGTT-3'
Protein context (NP_065928.2, residues 3699-3719): GKLNMDEYNF[Phe3709=]LRGGVVLDRE

ClinVar aggregate classification (germline): Likely benign (0 of 4 stars; one submission).

Conditions:
DNAH2-related disorder. Also called: DNAH2-related condition.

Allele frequency attached by ClinVar (database versions not stated): gnomAD exomes below 0.00001; ExAC 0.00001; TOPMed 0.00001; gnomAD 0.00003.
gnomAD v4.1: 9 of 1,613,232 alleles (0.00056%); highest among the groups gnomAD compares: African/African-American, 0.011%; no homozygotes.

Submission:

PreventionGenetics, part of Exact Sciences
Classification: Likely benign for DNAH2-related condition. Last evaluated: 2019-07-30. Review status: no assertion criteria provided. Collection method: clinical testing. Allele origin: germline.
Comment: This variant is classified as likely benign based on ACMG/AMP sequence variant interpretation guidelines (Richards et al. 2015 PMID: 25741868, with internal and published modifications).